The following is an entry in ClinVar:

NM_001379200.1(TBX1):c.1274A>G (p.Tyr425Cys)

Gene: TBX1 (T-box transcription factor 1; plus strand). Cytogenetic location: 22q11.21.
Variant type: single nucleotide variant.
Coding change: c.1274A>G on transcript NM_001379200.1 (MANE Select); coding-DNA position 1274, A replaced by G.
Protein change: p.Tyr425Cys; replaces tyrosine 425 with cysteine.
Molecular consequence: missense variant. On other transcripts: intron variant (2).
Genome position (GRCh38, 1-based): chr22:19,766,626, A>G. VCF-style: chr22-19766626-A-G. GRCh37 (hg19) VCF-style: chr22-19754149-A-G.
Other names: c.1247A>G, p.Tyr416Cys (NM_080647.1); c.1009+624A>G (NM_005992.1, NM_080646.2); short protein forms Y425C, Y416C.
Identifiers: ClinVar variation 3324831 (VCV003324831.1).
Genomic context (GRCh38, chr22:19,766,626, plus strand): 5'-CGAACCCCGAGCTGCGCCTGGAGGCGCCCGGCGCATCGGAGCCGCTGCACCACCACCCCT[A>G]CAAATATCCGGCCGCCGCCTACGACCACTATCTCGGGGCCAAGAGCCGGCCGGCGCCCTA-3'
Protein context (NP_001366129.1, residues 415-435): GASEPLHHHP[Tyr425Cys]KYPAAAYDHY

ClinVar aggregate classification (germline): Uncertain significance (1 of 4 stars; one submission).

Conditions:
Cardiovascular phenotype. Identifiers: MedGen CN230736.

Submission:

Ambry Genetics
Classification: Uncertain significance for Cardiovascular phenotype. Last evaluated: 2024-03-17. Review status: criteria provided, single submitter. Criteria: Ambry Variant Classification Scheme 2023. Collection method: clinical testing. Allele origin: germline.
Comment: The p.Y416C variant (also known as c.1247A>G), located in coding exon 8 of the TBX1 gene, results from an A to G substitution at nucleotide position 1247. The tyrosine at codon 416 is replaced by cysteine, an amino acid with highly dissimilar properties. This amino acid position is conserved. In addition, the in silico prediction for this alteration is inconclusive. Based on the available evidence, the clinical significance of this alteration remains unclear.